The following is an entry in ClinVar:

ClinVar aggregate classification (germline): Uncertain significance. Review status: criteria provided, multiple submitters, no conflicts (2 of 4 stars). 2 submissions from 2 submitters: Uncertain significance (2). Last evaluated 2024-11-27.

Conditions:
Lymphedema-posterior choanal atresia syndrome. Identifiers: Orphanet 99141, MedGen C3150875, MONDO:0013324, OMIM 613611.

Allele frequency attached by ClinVar (database versions not stated): gnomAD exomes 0.00002; ExAC 0.00004; ESP Exome Variant Server 0.00015; gnomAD 0.00017; TOPMed 0.00020.
gnomAD v4.1: 62 of 1,613,470 alleles (0.0038%); highest among the groups gnomAD compares: African/African-American, 0.047%; no homozygotes.

Submissions (2):

Ambry Genetics
Classification: Uncertain significance. Last evaluated: 2024-11-27. Review status: criteria provided, single submitter. Criteria: Ambry Variant Classification Scheme 2023. Collection method: clinical testing. Allele origin: germline.

Clinical Genomics Laboratory, Washington University in St. Louis
Classification: Uncertain significance for Lymphedema-posterior choanal atresia syndrome. Last evaluated: 2023-09-15. Review status: criteria provided, single submitter. Criteria: ACMG Guidelines, 2015. Collection method: clinical testing. Allele origin: germline.
Comment: The PTPN14 c.3500T>C (p.Ile1167Thr) variant was identified at a near-heterozygous allelic fraction. This variant, to our knowledge, has not been reported in the medical literature. This variant has been reported in the ClinVar database as a germline variant of uncertain significance by one submitter (ClinVar ID: 2359362). Computational predictors suggest that the variant does not impact the PTPN14 function. Due to limited information and based on ACMG/AMP guidelines for variant interpretation (Richards S et al., PMID: 25741868), the clinical significance of this variant is uncertain at this time.

NM_005401.5(PTPN14):c.3500T>C (p.Ile1167Thr)

Gene: PTPN14 (protein tyrosine phosphatase non-receptor type 14; minus strand). Cytogenetic location: 1q32.3.
Variant type: single nucleotide variant.
Coding change: c.3500T>C on transcript NM_005401.5 (MANE Select); coding-DNA position 3500, T replaced by C.
Protein change: p.Ile1167Thr; replaces isoleucine 1167 with threonine.
Molecular consequence: missense variant.
Genome position (GRCh38, 1-based): chr1:214,357,986, A>G on the plus strand (T>C on the coding strand, the complement: PTPN14 is on the minus strand). VCF-style: chr1-214357986-A-G. GRCh37 (hg19) VCF-style: chr1-214531329-A-G.
Other names: short protein forms I1167T.
Identifiers: ClinVar variation 2359362 (VCV002359362.4), dbSNP rs138031903, ClinGen allele CA1388606.